The following is an entry in ClinVar:

NM_000722.4(CACNA2D1):c.1747A>G (p.Lys583Glu)

Gene: CACNA2D1 (calcium voltage-gated channel auxiliary subunit alpha2delta 1; minus strand). Cytogenetic location: 7q21.11.
Variant type: single nucleotide variant.
Coding change: c.1747A>G on transcript NM_000722.4 (MANE Select); coding-DNA position 1747, A replaced by G.
Protein change: p.Lys583Glu; replaces lysine 583 with glutamic acid.
Molecular consequence: missense variant.
Genome position (GRCh38, 1-based): chr7:81,991,234, T>C on the plus strand (A>G on the coding strand, the complement: CACNA2D1 is on the minus strand). VCF-style: chr7-81991234-T-C. GRCh37 (hg19) VCF-style: chr7-81620550-T-C.
Other names: c.1804A>G, p.Lys602Glu (NM_001366867.1); short protein forms K583E, K602E.
Identifiers: ClinVar variation 3484089 (VCV003484089.1).

ClinVar aggregate classification (germline): Uncertain significance (1 of 4 stars; one submission).

Conditions:
Cardiovascular phenotype. Identifiers: MedGen CN230736.

gnomAD v4.1: 1 of 1,509,322 alleles (0.000066%); highest among the groups gnomAD compares: East Asian, 0.0023%; no homozygotes.

Submission:

Ambry Genetics
Classification: Uncertain significance for Cardiovascular phenotype. Last evaluated: 2024-10-14. Review status: criteria provided, single submitter. Criteria: Ambry Variant Classification Scheme 2023. Collection method: clinical testing. Allele origin: germline.
Comment: The p.K583E variant (also known as c.1747A>G), located in coding exon 21 of the CACNA2D1 gene, results from an A to G substitution at nucleotide position 1747. The lysine at codon 583 is replaced by glutamic acid, an amino acid with similar properties. This amino acid position is conserved. In addition, this alteration is predicted to be tolerated by in silico analysis. Based on the available evidence, the clinical significance of this variant remains unclear.